The following is an entry in ClinVar:

NM_153218.4(LACC1):c.1282A>G (p.Ile428Val)

Gene: LACC1 (laccase domain multifunctional purine nucleosidase 1; plus strand). Cytogenetic location: 13q14.11.
Variant type: single nucleotide variant.
Coding change: c.1282A>G on transcript NM_153218.4 (MANE Select); coding-DNA position 1282, A replaced by G.
Protein change: p.Ile428Val; replaces isoleucine 428 with valine.
Molecular consequence: missense variant. On other transcripts: intron variant (2).
Genome position (GRCh38, 1-based): chr13:43,890,262, A>G. VCF-style: chr13-43890262-A-G. GRCh37 (hg19) VCF-style: chr13-44464398-A-G.
Other names: c.1282A>G, p.Ile428Val (NM_001128303.2, NM_001350638.2, NM_001350639.2 and 3 more transcripts); c.514A>G, p.Ile172Val (NM_001350644.2, NM_001350645.2, NM_001350646.2 and 1 more transcripts); c.1134-1187A>G (NM_001350643.2); c.366-1187A>G (NM_001350648.2); short protein forms I172V, I428V.
Identifiers: ClinVar variation 3067779 (VCV003067779.21), dbSNP rs2547624472, ClinGen allele CA388230730.

ClinVar aggregate classification (germline): Uncertain significance (1 of 4 stars; one submission).

gnomAD v4.1: 8 of 1,613,194 alleles (0.0005%); highest among the groups gnomAD compares: South Asian, 0.0011%; no homozygotes.

Submission:

CeGaT Center for Human Genetics Tuebingen
Classification: Uncertain significance. Last evaluated: 2024-03-01. Review status: criteria provided, single submitter. Criteria: CeGaT Center For Human Genetics Tuebingen Variant Classification Criteria Version 2. Collection method: clinical testing. Allele origin: germline. Affected: yes. Observed: 1 variant allele.
Comment: LACC1: PM2, BP4